The following is an entry in ClinVar:

ClinVar aggregate classification (germline): Uncertain significance (1 of 4 stars; one submission).

Conditions:
MAGEL2-related disorder. Also called: MAGEL2-related condition.

gnomAD v4.1: 1 of 1,536,660 alleles (0.000065%); highest among the groups gnomAD compares: Non-Finnish European, 0.000087%; no homozygotes.

Submission:

PreventionGenetics, part of Exact Sciences
Classification: Uncertain significance for MAGEL2-related condition. Last evaluated: 2025-07-01. Review status: criteria provided, single submitter. Criteria: ACMG Guidelines, 2015. Collection method: clinical testing. Allele origin: germline.
Comment: The MAGEL2 c.901C>A variant is predicted to result in the amino acid substitution p.Pro301Thr. To our knowledge, this variant has not been reported in the literature or in a large population database (gnomAD), indicating this variant is rare. At this time, the clinical significance of this variant is uncertain due to the absence of conclusive functional and genetic evidence.

NM_019066.5(MAGEL2):c.901C>A (p.Pro301Thr)

Gene: MAGEL2 (MAGE family member L2; minus strand). Cytogenetic location: 15q11.2.
Variant type: single nucleotide variant.
Coding change: c.901C>A on transcript NM_019066.5 (MANE Select); coding-DNA position 901, C replaced by A.
Protein change: p.Pro301Thr; replaces proline 301 with threonine.
Molecular consequence: missense variant.
Genome position (GRCh38, 1-based): chr15:23,646,842, G>T on the plus strand (C>A on the coding strand, the complement: MAGEL2 is on the minus strand). VCF-style: chr15-23646842-G-T. GRCh37 (hg19) VCF-style: chr15-23891989-G-T.
Other names: short protein forms P301T.
Identifiers: ClinVar variation 4998546 (VCV004998546.1).